The following is an entry in ClinVar:

ClinVar aggregate classification (germline): Uncertain significance. Review status: criteria provided, multiple submitters, no conflicts (2 of 4 stars). 2 submissions from 2 submitters: Uncertain significance (2). Last evaluated 2025-03-07.

Conditions:
Familial adenomatous polyposis 1 (FAP1). Also called: POLYPOSIS, ADENOMATOUS INTESTINAL; FAMILIAL ADENOMATOUS POLYPOSIS 1, ATTENUATED. Identifiers: MedGen C2713442, MONDO:0021056, OMIM 175100. Disease mechanism: loss of function.
Hereditary cancer-predisposing syndrome. Also called: Hereditary neoplastic syndrome; Neoplastic Syndromes, Hereditary; Tumor predisposition; Hereditary Cancer Syndrome. Identifiers: Orphanet 140162, MedGen C0027672, MeSH D009386, MONDO:0015356.

Allele frequency attached by ClinVar (database versions not stated): TOPMed below 0.00001; gnomAD 0.00001.
gnomAD v4.1: 2 of 1,613,010 alleles (0.00012%); highest among the groups gnomAD compares: East Asian, 0.0022%; no homozygotes.

Submissions (2):

Ambry Genetics
Classification: Uncertain significance for Hereditary cancer-predisposing syndrome. Last evaluated: 2025-03-07. Review status: criteria provided, single submitter. Criteria: Ambry Variant Classification Scheme 2023. Collection method: clinical testing. Allele origin: germline.
Comment: The p.K1250R variant (also known as c.3749A>G), located in coding exon 15 of the APC gene, results from an A to G substitution at nucleotide position 3749. The lysine at codon 1250 is replaced by arginine, an amino acid with highly similar properties. This amino acid position is highly conserved in available vertebrate species. In addition, in silico predictors for this gene do not accurately predict pathogenicity. Missense alterations in APC are not a common cause of disease (Spier I et al. Genet Med. 2024 Feb;26(2):100992). Based on the available evidence, the clinical significance of this variant remains unclear.

Labcorp Genetics (formerly Invitae), Labcorp
Classification: Uncertain significance for Familial adenomatous polyposis 1. Last evaluated: 2024-08-28. Review status: criteria provided, single submitter. Criteria: Invitae Variant Classification Sherloc (09022015). Collection method: clinical testing. Allele origin: germline.
Comment: This sequence change replaces lysine, which is basic and polar, with arginine, which is basic and polar, at codon 1250 of the APC protein (p.Lys1250Arg). This variant is not present in population databases (gnomAD no frequency). This variant has not been reported in the literature in individuals affected with APC-related conditions. ClinVar contains an entry for this variant (Variation ID: 469938). Invitae Evidence Modeling of protein sequence and biophysical properties (such as structural, functional, and spatial information, amino acid conservation, physicochemical variation, residue mobility, and thermodynamic stability) indicates that this missense variant is not expected to disrupt APC protein function with a negative predictive value of 95%. In summary, the available evidence is currently insufficient to determine the role of this variant in disease. Therefore, it has been classified as a Variant of Uncertain Significance.

NM_000038.6(APC):c.3749A>G (p.Lys1250Arg)

Gene: APC (APC regulator of Wnt signaling pathway; plus strand). Cytogenetic location: 5q22.2.
Variant type: single nucleotide variant.
Coding change: c.3749A>G on transcript NM_000038.6 (MANE Select); coding-DNA position 3749, A replaced by G.
Protein change: p.Lys1250Arg; replaces lysine 1250 with arginine.
Molecular consequence: missense variant.
Genome position (GRCh38, 1-based): chr5:112,839,343, A>G. VCF-style: chr5-112839343-A-G. GRCh37 (hg19) VCF-style: chr5-112175040-A-G.
Other names: c.3749A>G, p.Lys1250Arg (NM_001127510.3, NM_001354895.2); c.3695A>G, p.Lys1232Arg (NM_001127511.3); c.3803A>G, p.Lys1268Arg (NM_001354896.2); c.3779A>G, p.Lys1260Arg (NM_001354897.2); c.3674A>G, p.Lys1225Arg (NM_001354898.2); c.3665A>G, p.Lys1222Arg (NM_001354899.2); c.3626A>G, p.Lys1209Arg (NM_001354900.2); c.3572A>G, p.Lys1191Arg (NM_001354901.2); and 5 more; short protein forms K1232R, K1250R, K1090R, K1159R, K1260R, K1124R, K1149R, K1191R.
Identifiers: ClinVar variation 469938 (VCV000469938.15), dbSNP rs771159136, ClinGen allele CA16029557.
Genomic context (GRCh38, chr5:112,839,343, plus strand): 5'-AGCTCCATCCAAGTTCTGCACAGAGTAGAAGTGGTCAGCCTCAAAAGGCTGCCACTTGCA[A>G]AGTTTCTTCTATTAACCAAGAAACAATACAGACTTATTGTGTAGAAGATACTCCAATATG-3'
Protein context (NP_000029.2, residues 1240-1260): SGQPQKAATC[Lys1250Arg]VSSINQETIQ